The following is an entry in ClinVar:

ClinVar aggregate classification (germline): Uncertain significance (1 of 4 stars; one submission).

Conditions:
Propionic acidemia (PROP). Also called: GLYCINEMIA, KETOTIC; HYPERGLYCINEMIA WITH KETOACIDOSIS AND LEUKOPENIA; KETOTIC HYPERGLYCINEMIA. Identifiers: Orphanet 35, MedGen C0268579, MONDO:0011628, OMIM 606054, HP:0003571.

Allele frequency attached by ClinVar (database versions not stated): gnomAD exomes 0.00001.
gnomAD v4.1: 3 of 1,613,006 alleles (0.00019%); highest among the groups gnomAD compares: South Asian, 0.0011%; no homozygotes.

Submission:

Labcorp Genetics (formerly Invitae), Labcorp
Classification: Uncertain significance for Propionic acidemia. Last evaluated: 2021-09-21. Review status: criteria provided, single submitter. Criteria: Invitae Variant Classification Sherloc (09022015). Collection method: clinical testing. Allele origin: germline.
Comment: This sequence change replaces arginine with glycine at codon 44 of the PCCB protein (p.Arg44Gly). The arginine residue is moderately conserved and there is a moderate physicochemical difference between arginine and glycine. This variant is not present in population databases (ExAC no frequency). This variant has not been reported in the literature in individuals affected with PCCB-related conditions. Advanced modeling of protein sequence and biophysical properties (such as structural, functional, and spatial information, amino acid conservation, physicochemical variation, residue mobility, and thermodynamic stability) performed at Invitae indicates that this missense variant is not expected to disrupt PCCB protein function. In summary, the available evidence is currently insufficient to determine the role of this variant in disease. Therefore, it has been classified as a Variant of Uncertain Significance.

NM_000532.5(PCCB):c.130C>G (p.Arg44Gly)

Gene: PCCB (propionyl-CoA carboxylase subunit beta; plus strand). Cytogenetic location: 3q22.3.
Variant type: single nucleotide variant.
Coding change: c.130C>G on transcript NM_000532.5 (MANE Select); coding-DNA position 130, C replaced by G.
Protein change: p.Arg44Gly; replaces arginine 44 with glycine.
Molecular consequence: missense variant.
Genome position (GRCh38, 1-based): chr3:136,250,505, C>G. VCF-style: chr3-136250505-C-G. GRCh37 (hg19) VCF-style: chr3-135969347-C-G.
Other names: c.130C>G, p.Arg44Gly (NM_001178014.2); short protein forms R44G.
Identifiers: ClinVar variation 1488266 (VCV001488266.3), dbSNP rs749210374, ClinGen allele CA354738050.